The following is an entry in ClinVar:

ClinVar aggregate classification (germline): Uncertain significance (1 of 4 stars; one submission).

Conditions:
Intellectual developmental disorder, autosomal recessive 76 (MRT76). Also called: MENTAL RETARDATION, AUTOSOMAL RECESSIVE 76. Identifiers: MedGen C5677007, MONDO:0030968, OMIM 619931.
Intellectual developmental disorder, autosomal dominant 67 (MRD67). Also called: MENTAL RETARDATION, AUTOSOMAL DOMINANT 67. Identifiers: MedGen C5677006, MONDO:0030964, OMIM 619927.

gnomAD v4.1: 37 of 1,613,568 alleles (0.0023%); highest among the groups gnomAD compares: Admixed American, 0.0067%; no homozygotes.

Submission:

Juno Genomics, Hangzhou Juno Genomics, Inc
Classification: Uncertain significance for Intellectual developmental disorder, autosomal recessive 76; Intellectual developmental disorder, autosomal dominant 67. Review status: criteria provided, single submitter. Criteria: ACMG Guidelines, 2015. Collection method: clinical testing. Allele origin: germline.
Comment: Absent from controls (or at extremely low frequency if recessive) in Genome Aggregation Database.;Multiple lines of computational evidence support a deleterious effect on the gene or gene product.;Missense variant in a gene that has a low rate of benign missense variation.

NM_000827.4(GRIA1):c.457C>T (p.Arg153Trp)

Gene: GRIA1 (glutamate ionotropic receptor AMPA type subunit 1; plus strand). Cytogenetic location: 5q33.2.
Variant type: single nucleotide variant.
Coding change: c.457C>T on transcript NM_000827.4 (MANE Select); coding-DNA position 457, C replaced by T.
Protein change: p.Arg153Trp; replaces arginine 153 with tryptophan.
Molecular consequence: missense variant. On other transcripts: non-coding transcript variant (2), intron variant (1).
Genome position (GRCh38, 1-based): chr5:153,647,164, C>T. VCF-style: chr5-153647164-C-T. GRCh37 (hg19) VCF-style: chr5-153026724-C-T.
Other names: c.484C>T, p.Arg162Trp (NM_001364166.2); c.250C>T, p.Arg84Trp (NM_001364167.2, NM_001258023.1); c.221-3166C>T (NM_001258019.2); c.457C>T, p.Arg153Trp (NM_001114183.2, NM_001364165.2); c.172C>T, p.Arg58Trp (NM_001258020.2); c.487C>T, p.Arg163Trp (NM_001258021.2, NM_001258022.2); short protein forms R153W, R162W, R163W, R58W, R84W.
Identifiers: ClinVar variation 5019452 (VCV005019452.2).